The following is an entry in ClinVar:

ClinVar aggregate classification (germline): not provided (0 of 4 stars; one submission).

Conditions:
Seizures, benign familial neonatal, 1. Also called: KCNQ2-Related Benign Familial Neonatal Epilepsy; Benign Neonatal Epilepsy 1; KCNQ2-Related Self-Limited Familial Neonatal Epilepsy (SLFNE); Seizures, benign neonatal, 1. Identifiers: Orphanet 1949, MedGen C3149074, MONDO:0007365, OMIM 121200.

Submission:

GeneReviews
No classification provided. Condition: Seizures, benign familial neonatal, 1. Review status: no classification provided. Collection method: literature only. Allele origin: germline. Affected: yes.
Comment: BFNIS (benign familial neonatal-infantile seizures)

Literature cited by the submitters: PubMed 23360469; NCBI Bookshelf NBK32534.

NM_172107.4(KCNQ2):c.460T>G (p.Tyr154Asp)

Gene: KCNQ2 (potassium voltage-gated channel subfamily Q member 2; minus strand). Cytogenetic location: 20q13.33.
Variant type: single nucleotide variant.
Coding change: c.460T>G on transcript NM_172107.4 (MANE Select); coding-DNA position 460, T replaced by G.
Protein change: p.Tyr154Asp; replaces tyrosine 154 with aspartic acid.
Molecular consequence: missense variant.
Genome position (GRCh38, 1-based): chr20:63,445,292, A>C on the plus strand (T>G on the coding strand, the complement: KCNQ2 is on the minus strand). VCF-style: chr20-63445292-A-C. GRCh37 (hg19) VCF-style: chr20-62076645-A-C.
Other names: c.460T>G, p.Tyr154Asp (NM_004518.6, NM_172106.3, NM_172108.5 and 1 more transcripts); short protein forms Y154D.
Identifiers: ClinVar variation 369743 (VCV000369743.2), dbSNP rs1057516078, ClinGen allele CA10654833.